The following is an entry in ClinVar:

NM_001378454.1(ALMS1):c.11904_11908del (p.Val3968_Glu3969insTer)

Genes: ALMS1 (ALMS1 centrosome and basal body associated protein; plus strand), LOC126806252 (BRD4-independent group 4 enhancer GRCh37_chr2:73828496-73829695; plus strand). Cytogenetic location: 2p13.1.
Variant type: Deletion.
Coding change: c.11904_11908del on transcript NM_001378454.1 (MANE Select); coding-DNA positions 11904 to 11908, 5 bases deleted (GGAGT; older notation c.11904_11908delGGAGT).
Protein change: p.Val3968_Glu3969insTer.
Molecular consequence: frameshift variant.
Genome position (GRCh38, 1-based): chr2:73,601,226-73,601,230, GGAGT deleted; deleting any 5 consecutive bases within chr2:73,601,224-73,601,230 gives the same sequence; the c. name uses the placement nearest the transcript's 3' end. VCF-style (leftmost placement, unchanged base first): chr2-73601223-TGTGGA-T. GRCh37 (hg19) VCF-style: chr2-73828350-TGTGGA-T.
Other names: c.11907_11911del, p.Val3969_Glu3970insTer (NM_015120.4).
Identifiers: ClinVar variation 1074886 (VCV001074886.7), dbSNP rs2104195495, ClinGen allele CA2499216270.

ClinVar aggregate classification (germline): Pathogenic (1 of 4 stars; one submission).

Conditions:
Alstrom syndrome (ALMS). Identifiers: Orphanet 64, MedGen C0268425, MONDO:0008763, OMIM 203800.

Submission:

Labcorp Genetics (formerly Invitae), Labcorp
Classification: Pathogenic for Alstrom syndrome. Last evaluated: 2023-07-16. Review status: criteria provided, single submitter. Criteria: Invitae Variant Classification Sherloc (09022015). Collection method: clinical testing. Allele origin: germline.
Comment: For these reasons, this variant has been classified as Pathogenic. Algorithms developed to predict the effect of sequence changes on RNA splicing suggest that this variant may disrupt the consensus splice site. ClinVar contains an entry for this variant (Variation ID: 1074886). This variant has not been reported in the literature in individuals affected with ALMS1-related conditions. This variant is not present in population databases (gnomAD no frequency). This sequence change creates a premature translational stop signal (p.Glu3970*) in the ALMS1 gene. It is expected to result in an absent or disrupted protein product. Loss-of-function variants in ALMS1 are known to be pathogenic (PMID: 17594715).

Literature cited by the submitters: PubMed 17594715.